The following is an entry in ClinVar:

NM_058216.3(RAD51C):c.896C>T (p.Pro299Leu)

Gene: RAD51C (RAD51 paralog C; plus strand). Cytogenetic location: 17q22.
Variant type: single nucleotide variant.
Coding change: c.896C>T on transcript NM_058216.3 (MANE Select); coding-DNA position 896, C replaced by T.
Protein change: p.Pro299Leu; replaces proline 299 with leucine.
Molecular consequence: missense variant. On other transcripts: non-coding transcript variant (1).
Genome position (GRCh38, 1-based): chr17:58,720,804, C>T. VCF-style: chr17-58720804-C-T. GRCh37 (hg19) VCF-style: chr17-56798165-C-T.
Other names: c.896C>T (NM_058216.1); short protein forms P299L.
Identifiers: ClinVar variation 241780 (VCV000241780.10), dbSNP rs878855182, ClinGen allele CA10583608.
Genomic context (GRCh38, chr17:58,720,804, plus strand): 5'-AGGTAATTTTAACCAATCAGATGACAACAAAGATTGATAGAAATCAGGCCTTGCTTGTTC[C>T]TGCATTAGGTGGGTAATTAATCAGATAAACATTTTAGTTTATCACAGTTTTTCTTATCTC-3'
Protein context (NP_478123.1, residues 289-309): KIDRNQALLV[Pro299Leu]ALGESWGHAA

ClinVar aggregate classification (germline): Uncertain significance. Review status: criteria provided, multiple submitters, no conflicts (2 of 4 stars). 2 submissions from 2 submitters: Uncertain significance (2). Last evaluated 2024-11-28.

Conditions:
Hereditary cancer-predisposing syndrome. Also called: Neoplastic Syndromes, Hereditary; Tumor predisposition; Hereditary neoplastic syndrome; Hereditary Cancer Syndrome. Identifiers: Orphanet 140162, MedGen C0027672, MeSH D009386, MONDO:0015356.
Fanconi anemia complementation group O. Also called: RAD51C-Related Fanconi Anemia. Identifiers: Orphanet 84, MedGen C3150653, MONDO:0013248, OMIM 613390.

Allele frequency attached by ClinVar (database versions not stated): gnomAD exomes below 0.00001.
gnomAD v4.1: 1 of 1,610,502 alleles (0.000062%); highest among the groups gnomAD compares: East Asian, 0.0022%; no homozygotes.

Submissions (2):

Ambry Genetics
Classification: Uncertain significance for Hereditary cancer-predisposing syndrome. Last evaluated: 2024-11-28. Review status: criteria provided, single submitter. Criteria: Ambry Variant Classification Scheme 2023. Collection method: clinical testing. Allele origin: germline.
Comment: The p.P299L variant (also known as c.896C>T), located in coding exon 6 of the RAD51C gene, results from a C to T substitution at nucleotide position 896. The proline at codon 299 is replaced by leucine, an amino acid with similar properties. This amino acid position is conserved. In addition, the in silico prediction for this alteration is inconclusive. Based on the available evidence, the clinical significance of this variant remains unclear.

Labcorp Genetics (formerly Invitae), Labcorp
Classification: Uncertain significance for Fanconi anemia complementation group O. Last evaluated: 2018-08-28. Review status: criteria provided, single submitter. Criteria: Invitae Variant Classification Sherloc (09022015). Collection method: clinical testing. Allele origin: germline.
Comment: This sequence change replaces proline with leucine at codon 299 of the RAD51C protein (p.Pro299Leu). The proline residue is highly conserved and there is a moderate physicochemical difference between proline and leucine. This variant is not present in population databases (ExAC no frequency). This variant has been observed to segregate with ovarian cancer in a family (Invitae). ClinVar contains an entry for this variant (Variation ID: 241780). Algorithms developed to predict the effect of missense changes on protein structure and function (SIFT, PolyPhen-2, Align-GVGD) all suggest that this variant is likely to be disruptive, but these predictions have not been confirmed by published functional studies and their clinical significance is uncertain. In summary, the available evidence is currently insufficient to determine the role of this variant in disease. Therefore, it has been classified as a Variant of Uncertain Significance.